The following is an entry in ClinVar:

NM_005618.4(DLL1):c.1762G>A (p.Glu588Lys)

Gene: DLL1 (delta like canonical Notch ligand 1; minus strand). Cytogenetic location: 6q27.
Variant type: single nucleotide variant.
Coding change: c.1762G>A on transcript NM_005618.4 (MANE Select); coding-DNA position 1762, G replaced by A.
Protein change: p.Glu588Lys; replaces glutamic acid 588 with lysine.
Molecular consequence: missense variant.
Genome position (GRCh38, 1-based): chr6:170,283,517, C>T on the plus strand (G>A on the coding strand, the complement: DLL1 is on the minus strand). VCF-style: chr6-170283517-C-T. GRCh37 (hg19) VCF-style: chr6-170592605-C-T.
Other names: c.1762G>A (NM_005618.3); short protein forms E588K.
Identifiers: ClinVar variation 2194376 (VCV002194376.5), dbSNP rs200801825, ClinGen allele CA4106730.

ClinVar aggregate classification (germline): Conflicting classifications of pathogenicity. Review status: criteria provided, conflicting classifications (1 of 4 stars). 2 submissions from 2 submitters: Uncertain significance (1); Likely benign (1). Last evaluated 2025-09-15.

Conditions:
Inborn genetic diseases. Identifiers: MedGen C0950123, MeSH D030342.

Allele frequency attached by ClinVar (database versions not stated): gnomAD exomes 0.00002; gnomAD 0.00004; ExAC 0.00005; TOPMed 0.00005; 1000 Genomes Project 0.00020; 1000 Genomes Project 30x 0.00031.

Submissions (2):

Labcorp Genetics (formerly Invitae), Labcorp
Classification: Uncertain significance. Last evaluated: 2025-09-15. Review status: criteria provided, single submitter. Criteria: Invitae Variant Classification Sherloc (09022015). Collection method: clinical testing. Allele origin: germline.
Comment: This sequence change replaces glutamic acid, which is acidic and polar, with lysine, which is basic and polar, at codon 588 of the DLL1 protein (p.Glu588Lys). This variant is present in population databases (rs200801825, gnomAD 0.02%). This variant has not been reported in the literature in individuals affected with DLL1-related conditions. ClinVar contains an entry for this variant (Variation ID: 2194376). An algorithm developed to predict the effect of missense changes on protein structure and function (PolyPhen-2) suggests that this variant is likely to be tolerated. In summary, the available evidence is currently insufficient to determine the role of this variant in disease. Therefore, it has been classified as a Variant of Uncertain Significance.

Ambry Genetics
Classification: Likely benign for Inborn genetic diseases. Last evaluated: 2024-10-25. Review status: criteria provided, single submitter. Criteria: Ambry Variant Classification Scheme 2023. Collection method: clinical testing. Allele origin: germline.